The following is an entry in ClinVar:

ClinVar aggregate classification (germline): Uncertain significance (1 of 4 stars; one submission).

Conditions:
Early-infantile DEE. Also called: Ohtahara syndrome; Early infantile epileptic encephalopathy with suppression bursts; Early infantile epileptic encephalopathy. Identifiers: Orphanet 1934, MedGen C0393706, MONDO:0800491.

Submission:

Labcorp Genetics (formerly Invitae), Labcorp
Classification: Uncertain significance for Early-infantile DEE. Last evaluated: 2020-04-10. Review status: criteria provided, single submitter. Criteria: Invitae Variant Classification Sherloc (09022015). Collection method: clinical testing. Allele origin: germline.
Comment: In summary, the available evidence is currently insufficient to determine the role of this variant in disease. Therefore, it has been classified as a Variant of Uncertain Significance. Algorithms developed to predict the effect of missense changes on protein structure and function are either unavailable or do not agree on the potential impact of this missense change (SIFT: "Deleterious"; PolyPhen-2: "Benign"; Align-GVGD: "Class C0"). This variant has not been reported in the literature in individuals with KCNQ2-related conditions. This variant is not present in population databases (ExAC no frequency). This sequence change replaces phenylalanine with leucine at codon 112 of the KCNQ2 protein (p.Phe112Leu). The phenylalanine residue is highly conserved and there is a small physicochemical difference between phenylalanine and leucine.

NM_172107.4(KCNQ2):c.336T>G (p.Phe112Leu)

Gene: KCNQ2 (potassium voltage-gated channel subfamily Q member 2; minus strand). Cytogenetic location: 20q13.33.
Variant type: single nucleotide variant.
Coding change: c.336T>G on transcript NM_172107.4 (MANE Select); coding-DNA position 336, T replaced by G.
Protein change: p.Phe112Leu; replaces phenylalanine 112 with leucine.
Molecular consequence: missense variant.
Genome position (GRCh38, 1-based): chr20:63,446,798, A>C on the plus strand (T>G on the coding strand, the complement: KCNQ2 is on the minus strand). VCF-style: chr20-63446798-A-C. GRCh37 (hg19) VCF-style: chr20-62078151-A-C.
Other names: c.336T>G, p.Phe112Leu (NM_004518.6, NM_172106.3, NM_172108.5 and 1 more transcripts); short protein forms F112L.
Identifiers: ClinVar variation 846358 (VCV000846358.10), dbSNP rs2081440418, ClinGen allele CA409656469.